The following is an entry in ClinVar:

NM_005340.7(HINT1):c.71G>T (p.Arg24Leu)

Gene: HINT1 (histidine triad nucleotide binding protein 1; minus strand). Cytogenetic location: 5q23.3.
Variant type: single nucleotide variant.
Coding change: c.71G>T on transcript NM_005340.7 (MANE Select); coding-DNA position 71, G replaced by T.
Protein change: p.Arg24Leu; replaces arginine 24 with leucine.
Molecular consequence: missense variant. On other transcripts: non-coding transcript variant (5).
Genome position (GRCh38, 1-based): chr5:131,165,135, C>A on the plus strand (G>T on the coding strand, the complement: HINT1 is on the minus strand). VCF-style: chr5-131165135-C-A. GRCh37 (hg19) VCF-style: chr5-130500828-C-A.
Other names: c.71G>T (NM_005340.5); short protein forms R24L.
Identifiers: ClinVar variation 956140 (VCV000956140.9), dbSNP rs201262077, ClinGen allele CA3398662.

ClinVar aggregate classification (germline): Uncertain significance. Review status: criteria provided, multiple submitters, no conflicts (2 of 4 stars). 2 submissions from 2 submitters: Uncertain significance (2). Last evaluated 2023-06-30.

Conditions:
Autosomal recessive axonal neuropathy with neuromyotonia (NMAN). Also called: MYOKYMIA, MYOTONIA, AND MUSCLE WASTING; Neuromyotonia and axonal neuropathy, autosomal recessive; Gamstorp-Wohlfart syndrome. Identifiers: Orphanet 324442, MedGen C5700127, MONDO:0007646, OMIM 137200.
Inborn genetic diseases. Identifiers: MedGen C0950123, MeSH D030342.

Allele frequency attached by ClinVar (database versions not stated): gnomAD exomes below 0.00001; ExAC 0.00001; 1000 Genomes Project 30x 0.00016; 1000 Genomes Project 0.00020.

Submissions (2):

Labcorp Genetics (formerly Invitae), Labcorp
Classification: Uncertain significance for Autosomal recessive axonal neuropathy with neuromyotonia. Last evaluated: 2023-06-30. Review status: criteria provided, single submitter. Criteria: Invitae Variant Classification Sherloc (09022015). Collection method: clinical testing. Allele origin: germline.
Comment: The frequency data for this variant in the population databases is considered unreliable, as metrics indicate poor data quality at this position in the gnomAD database. This variant has not been reported in the literature in individuals affected with HINT1-related conditions. ClinVar contains an entry for this variant (Variation ID: 956140). An algorithm developed to predict the effect of missense changes on protein structure and function (PolyPhen-2) suggests that this variant is likely to be disruptive. In summary, the available evidence is currently insufficient to determine the role of this variant in disease. Therefore, it has been classified as a Variant of Uncertain Significance. This sequence change replaces arginine, which is basic and polar, with leucine, which is neutral and non-polar, at codon 24 of the HINT1 protein (p.Arg24Leu).

Ambry Genetics
Classification: Uncertain significance for Inborn genetic diseases. Last evaluated: 2022-12-21. Review status: criteria provided, single submitter. Criteria: Ambry Variant Classification Scheme 2023. Collection method: clinical testing. Allele origin: germline.